The following is an entry in ClinVar:

ClinVar aggregate classification (germline): Uncertain significance. Review status: criteria provided, multiple submitters, no conflicts (2 of 4 stars). 2 submissions from 2 submitters: Uncertain significance (2). Last evaluated 2025-12-16.

Conditions:
Autosomal recessive severe congenital neutropenia due to G6PC3 deficiency. Also called: NEUTROPENIA, SEVERE CONGENITAL, 4, AUTOSOMAL RECESSIVE; G6PC3 Deficiency. Identifiers: Orphanet 331176, MedGen C2751630, MONDO:0012930, OMIM 612541.
Inborn genetic diseases. Identifiers: MedGen C0950123, MeSH D030342.

Allele frequency attached by ClinVar (database versions not stated): gnomAD exomes below 0.00001; gnomAD 0.00001.

Submissions (2):

Ambry Genetics
Classification: Uncertain significance for Inborn genetic diseases. Last evaluated: 2025-12-16. Review status: criteria provided, single submitter. Criteria: Ambry Variant Classification Scheme 2023. Collection method: clinical testing. Allele origin: germline.

Labcorp Genetics (formerly Invitae), Labcorp
Classification: Uncertain significance for Autosomal recessive severe congenital neutropenia due to G6PC3 deficiency. Last evaluated: 2022-05-04. Review status: criteria provided, single submitter. Criteria: Invitae Variant Classification Sherloc (09022015). Collection method: clinical testing. Allele origin: germline.
Comment: This sequence change replaces glycine, which is neutral and non-polar, with serine, which is neutral and polar, at codon 88 of the G6PC3 protein (p.Gly88Ser). This variant is not present in population databases (gnomAD no frequency). This variant has not been reported in the literature in individuals affected with G6PC3-related conditions. Algorithms developed to predict the effect of missense changes on protein structure and function are either unavailable or do not agree on the potential impact of this missense change (SIFT: "Tolerated"; PolyPhen-2: "Probably Damaging"; Align-GVGD: "Class C0"). Algorithms developed to predict the effect of sequence changes on RNA splicing suggest that this variant may disrupt the consensus splice site. In summary, the available evidence is currently insufficient to determine the role of this variant in disease. Therefore, it has been classified as a Variant of Uncertain Significance.

NM_138387.4(G6PC3):c.262G>A (p.Gly88Ser)

Gene: G6PC3 (glucose-6-phosphatase catalytic subunit 3; plus strand). Cytogenetic location: 17q21.31.
Variant type: single nucleotide variant.
Coding change: c.262G>A on transcript NM_138387.4 (MANE Select); coding-DNA position 262, G replaced by A.
Protein change: p.Gly88Ser; replaces glycine 88 with serine.
Molecular consequence: missense variant. On other transcripts: 5 prime UTR variant (4).
Genome position (GRCh38, 1-based): chr17:44,074,203, G>A. VCF-style: chr17-44074203-G-A. GRCh37 (hg19) VCF-style: chr17-42151571-G-A.
Other names: c.262G>A, p.Gly88Ser (NM_001319945.2); c.-84G>A (NM_001384165.1, NM_001384166.1, NM_001384167.1 and 1 more transcripts); short protein forms G88S.
Identifiers: ClinVar variation 2119055 (VCV002119055.3), dbSNP rs1567969175, ClinGen allele CA399725704.